The following is an entry in ClinVar:

NM_001142569.3(INAVA):c.1196C>G (p.Ser399Cys)

Gene: INAVA (innate immunity activator; plus strand). Cytogenetic location: 1q32.1.
Variant type: single nucleotide variant.
Coding change: c.1196C>G on transcript NM_001142569.3 (MANE Select); coding-DNA position 1196, C replaced by G.
Protein change: p.Ser399Cys; replaces serine 399 with cysteine.
Molecular consequence: missense variant.
Genome position (GRCh38, 1-based): chr1:200,911,689, C>G. VCF-style: chr1-200911689-C-G. GRCh37 (hg19) VCF-style: chr1-200880817-C-G.
Other names: c.1196C>G, p.Ser399Cys (NM_001367289.1); c.659C>G, p.Ser220Cys (NM_001367290.1); c.1451C>G, p.Ser484Cys (NM_018265.4); short protein forms S220C, S399C, S484C.
Identifiers: ClinVar variation 1690626 (VCV001690626.2), dbSNP rs116087951, ClinGen allele CA1320086.

ClinVar aggregate classification (germline): Likely benign (1 of 4 stars; one submission).

Allele frequency attached by ClinVar (database versions not stated): 1000 Genomes Project 0.00359; ESP Exome Variant Server 0.00361; 1000 Genomes Project 30x 0.00375.
gnomAD v4.1: 955 of 1,614,012 alleles (0.059%); highest among the groups gnomAD compares: African/African-American, 1.2%; 9 homozygotes.

Submission:

Laboratorio de Genetica e Diagnostico Molecular, Hospital Israelita Albert Einstein
Classification: Likely benign. Last evaluated: 2021-04-13. Review status: criteria provided, single submitter. Criteria: ACMG Guidelines, 2015. Collection method: clinical testing. Allele origin: germline. Affected: yes.
Comment: ACMG classification criteria: BS2, BP4